The following is an entry in ClinVar:

ClinVar aggregate classification (germline): Benign/Likely benign. Review status: criteria provided, multiple submitters, no conflicts (2 of 4 stars). 4 submissions from 4 submitters: Benign (1); Likely benign (3). Last evaluated 2026-03-31.

Conditions:
Genitopatellar syndrome (GTPTS). Also called: Genitopatellar syndrome (GPS); ABSENT PATELLAE, SCROTAL HYPOPLASIA, RENAL ANOMALIES, FACIAL DYSMORPHISM, AND MENTAL RETARDATION. Identifiers: Orphanet 85201, MedGen C1853566, MONDO:0011640, OMIM 606170.
KAT6B-related disorder. Also called: KAT6B-related disorders; KAT6B-related condition.
Inborn genetic diseases. Identifiers: MedGen C0950123, MeSH D030342.
Obesity. Also called: Obesity disorder. Identifiers: Orphanet 71529, MedGen C0028754, MeSH D009765, MONDO:0011122, HP:0001513.

Allele frequency attached by ClinVar (database versions not stated): ExAC 0.00003; gnomAD exomes 0.00004; ESP Exome Variant Server 0.00008; gnomAD 0.00006 and 0.00007.
gnomAD v4.1: 173 of 1,614,036 alleles (0.011%); highest among the groups gnomAD compares: Admixed American, 0.013%; no homozygotes.

Submissions (4):

Ambry Genetics
Classification: Likely benign for Inborn genetic diseases. Last evaluated: 2026-03-31. Review status: criteria provided, single submitter. Criteria: Ambry Variant Classification Scheme 2023. Collection method: clinical testing. Allele origin: germline.

Labcorp Genetics (formerly Invitae), Labcorp
Classification: Likely benign for Genitopatellar syndrome. Last evaluated: 2025-12-16. Review status: criteria provided, single submitter. Criteria: Invitae Variant Classification Sherloc (09022015). Collection method: clinical testing. Allele origin: germline.

PreventionGenetics, part of Exact Sciences
Classification: Likely benign for KAT6B-related condition. Last evaluated: 2024-11-21. Review status: criteria provided, single submitter. Criteria: ACMG Guidelines, 2015. Collection method: clinical testing. Allele origin: germline.
Comment: This variant is classified as likely benign based on ACMG/AMP sequence variant interpretation guidelines (Richards et al. 2015 PMID: 25741868, with internal and published modifications).

Cambridge Genomics Laboratory, East Genomic Laboratory Hub, NHS Genomic Medicine Service
Classification: Benign for Obesity. Last evaluated: 2019-05-02. Review status: criteria provided, single submitter. Criteria: ACGS Best Practice Guidelines for Variant Classification in Rare Disease 2020. Collection method: clinical testing. Allele origin: germline. Affected: yes. Observed: 1 variant allele.

NM_012330.4(KAT6B):c.1581T>G (p.Ser527Arg)

Gene: KAT6B (lysine acetyltransferase 6B; plus strand). Cytogenetic location: 10q22.2.
Variant type: single nucleotide variant.
Coding change: c.1581T>G on transcript NM_012330.4 (MANE Select); coding-DNA position 1581, T replaced by G.
Protein change: p.Ser527Arg; replaces serine 527 with arginine.
Molecular consequence: missense variant. On other transcripts: intron variant (13).
Genome position (GRCh38, 1-based): chr10:74,975,918, T>G. VCF-style: chr10-74975918-T-G. GRCh37 (hg19) VCF-style: chr10-76735676-T-G.
Other names: c.1581T>G, p.Ser527Arg (NM_001370136.1, NM_001370137.1); c.1117+464T>G (NM_001370139.1, NM_001370140.1, NM_001370141.1 and 3 more transcripts); c.1444+137T>G (NM_001370138.1, NM_001256468.2); c.846+6143T>G (NM_001370133.1); c.193-3306T>G (NM_001370134.1); c.929-1398T>G (NM_001370143.1, NM_001370144.1); c.193-13101T>G (NM_001370135.1); c.1581T>G (NM_012330.2, NM_012330.3); short protein forms S527R.
Identifiers: ClinVar variation 1635015 (VCV001635015.11), dbSNP rs201681469, ClinGen allele CA5564438.
Genomic context (GRCh38, chr10:74,975,918, plus strand): 5'-ACAAAAGTCCAGCACGGCCACTTCTTCTCCCTCTCCCCAGAGTTCTTCCAGCCAGTGCAG[T>G]GTGCCCTCCCTGAGCAGCCTTACCACTAACAGCCAGCTGAAGGCACTCTTTGATGGGCTT-3'
Protein context (NP_036462.2, residues 517-537): PSPQSSSSQC[Ser527Arg]VPSLSSLTTN